The following is an entry in ClinVar:

ClinVar aggregate classification (germline): Uncertain significance (1 of 4 stars; one submission).

Submission:

Labcorp Genetics (formerly Invitae), Labcorp
Classification: Uncertain significance. Last evaluated: 2025-08-18. Review status: criteria provided, single submitter. Criteria: Invitae Variant Classification Sherloc (09022015). Collection method: clinical testing. Allele origin: germline.
Comment: This sequence change replaces serine, which is neutral and polar, with arginine, which is basic and polar, at codon 196 of the SCN3A protein (p.Ser196Arg). This variant is not present in population databases (gnomAD no frequency). This variant has not been reported in the literature in individuals affected with SCN3A-related conditions. Invitae Evidence Modeling of protein sequence and biophysical properties (such as structural, functional, and spatial information, amino acid conservation, physicochemical variation, residue mobility, and thermodynamic stability) has been performed for this missense variant. However, the output from this modeling did not meet the statistical confidence thresholds required to predict the impact of this variant on SCN3A protein function. In summary, the available evidence is currently insufficient to determine the role of this variant in disease. Therefore, it has been classified as a Variant of Uncertain Significance.

NM_006922.4(SCN3A):c.588T>G (p.Ser196Arg)

Gene: SCN3A (sodium voltage-gated channel alpha subunit 3; minus strand). Cytogenetic location: 2q24.3.
Variant type: single nucleotide variant.
Coding change: c.588T>G on transcript NM_006922.4 (MANE Select); coding-DNA position 588, T replaced by G.
Protein change: p.Ser196Arg; replaces serine 196 with arginine.
Molecular consequence: missense variant.
Genome position (GRCh38, 1-based): chr2:165,164,406, A>C on the plus strand (T>G on the coding strand, the complement: SCN3A is on the minus strand). VCF-style: chr2-165164406-A-C. GRCh37 (hg19) VCF-style: chr2-166020916-A-C.
Other names: c.588T>G, p.Ser196Arg (NM_001081676.2, NM_001081677.2); short protein forms S196R.
Identifiers: ClinVar variation 4745739 (VCV004745739.1).